The following is an entry in ClinVar:

NM_206933.4(USH2A):c.8872G>T (p.Glu2958Ter)

Gene: USH2A (usherin; minus strand). Cytogenetic location: 1q41.
Variant type: single nucleotide variant.
Coding change: c.8872G>T on transcript NM_206933.4 (MANE Select); coding-DNA position 8872, G replaced by T.
Protein change: p.Glu2958Ter; replaces glutamic acid 2958 with a stop codon.
Molecular consequence: nonsense.
Genome position (GRCh38, 1-based): chr1:215,846,007, C>A on the plus strand (G>T on the coding strand, the complement: USH2A is on the minus strand). VCF-style: chr1-215846007-C-A. GRCh37 (hg19) VCF-style: chr1-216019349-C-A.
Other names: short protein forms E2958*.
Identifiers: ClinVar variation 4818858 (VCV004818858.1).

ClinVar aggregate classification (germline): Pathogenic (1 of 4 stars; one submission).

Conditions:
Usher syndrome type 2A. Also called: RETINAL DISEASE IN USHER SYNDROME TYPE IIA, MODIFIER OF; USHER SYNDROME, TYPE IIA. Identifiers: Orphanet 231178, Orphanet 886, MedGen C1848634, MONDO:0010169, OMIM 276901.

Submission:

Department of Otolaryngology-Head and Neck Surgery, Shanghai Jiao Tong University Affiliated Sixth People’s Hospital
Classification: Pathogenic for Usher syndrome type 2A. Last evaluated: 2026-03-09. Review status: criteria provided, single submitter. Criteria: ACMG Guidelines, 2015. Collection method: provider interpretation. Allele origin: germline. Inheritance: Autosomal recessive inheritance. Affected: yes.
Comment: This variant is located at chr1:216019349C>A (hg19) and designated as USH2A (NM_206933.4):c.8872G>T p.(Glu2958Ter). pVS1: Nonsense mutation, which is predicted to trigger nonsense-mediated mRNA decay (NMD). PM2_Supporting: Analysis of the ESP database, 1000 Genomes Project, and gnomAD database revealed that the maximum population frequency of this variant is 0.